The following is an entry in ClinVar:

ClinVar aggregate classification (germline): Likely benign. Review status: criteria provided, multiple submitters, no conflicts (2 of 4 stars). 2 submissions from 2 submitters: Likely benign (2). Last evaluated 2025-12-14.

Conditions:
Leigh syndrome (NULS). Also called: LEIGH SYNDROME, NUCLEAR; Leigh Disease; Subacute necrotizing encephalopathy; Necrotizing encephalopathy infantile subacute of Leigh; Leigh Syndrome (mtDNA deletion); Leigh's syndrome. Identifiers: Orphanet 506, MedGen C2931891, MONDO:0009723, OMIM 256000.

Allele frequency attached by ClinVar (database versions not stated): gnomAD 0.00005 and 0.00006.

Submissions (2):

Labcorp Genetics (formerly Invitae), Labcorp
Classification: Likely benign for Leigh syndrome. Last evaluated: 2025-12-14. Review status: criteria provided, single submitter. Criteria: Invitae Variant Classification Sherloc (09022015). Collection method: clinical testing. Allele origin: germline.

GeneDx
Classification: Likely benign. Last evaluated: 2018-10-25. Review status: criteria provided, single submitter. Criteria: GeneDx Variant Classification Process June 2021. Collection method: clinical testing. Allele origin: germline. Affected: yes.
Comment: See Variant Classification Assertion Criteria.

NM_003172.4(SURF1):c.807C>T (p.Asn269=)

Gene: SURF1 (SURF1 cytochrome c oxidase assembly factor; minus strand). Cytogenetic location: 9q34.2.
Variant type: single nucleotide variant.
Coding change: c.807C>T on transcript NM_003172.4 (MANE Select); coding-DNA position 807, C replaced by T.
Protein change: p.Asn269=; no amino-acid change (asparagine 269 retained).
Molecular consequence: synonymous variant.
Genome position (GRCh38, 1-based): chr9:133,352,087, G>A on the plus strand (C>T on the coding strand, the complement: SURF1 is on the minus strand). VCF-style: chr9-133352087-G-A. GRCh37 (hg19) VCF-style: chr9-136218942-G-A.
Other names: c.480C>T, p.Asn160= (NM_001280787.1).
Identifiers: ClinVar variation 1584475 (VCV001584475.11), dbSNP rs150726485, ClinGen allele CA200832049.